The following is an entry in ClinVar:

NM_018026.4(PACS1):c.1987C>T (p.Pro663Ser)

Gene: PACS1 (phosphofurin acidic cluster sorting protein 1; plus strand). Cytogenetic location: 11q13.2.
Variant type: single nucleotide variant.
Coding change: c.1987C>T on transcript NM_018026.4 (MANE Select); coding-DNA position 1987, C replaced by T.
Protein change: p.Pro663Ser; replaces proline 663 with serine.
Molecular consequence: missense variant.
Genome position (GRCh38, 1-based): chr11:66,233,933, C>T. VCF-style: chr11-66233933-C-T. GRCh37 (hg19) VCF-style: chr11-66001404-C-T.
Other names: short protein forms P663S.
Identifiers: ClinVar variation 2844204 (VCV002844204.3), dbSNP rs2495588914, ClinGen allele CA381373374.

ClinVar aggregate classification (germline): Uncertain significance (1 of 4 stars; one submission).

Conditions:
Schuurs-Hoeijmakers syndrome. Also called: PACS1-Related Neurodevelopmental Disorder. Identifiers: Orphanet 329224, MedGen C3554343, MONDO:0014006, OMIM 615009.

Submission:

Labcorp Genetics (formerly Invitae), Labcorp
Classification: Uncertain significance for Schuurs-Hoeijmakers syndrome. Last evaluated: 2024-04-10. Review status: criteria provided, single submitter. Criteria: Invitae Variant Classification Sherloc (09022015). Collection method: clinical testing. Allele origin: germline.
Comment: This sequence change replaces proline, which is neutral and non-polar, with serine, which is neutral and polar, at codon 663 of the PACS1 protein (p.Pro663Ser). This variant is not present in population databases (gnomAD no frequency). This variant has not been reported in the literature in individuals affected with PACS1-related conditions. Advanced modeling of protein sequence and biophysical properties (such as structural, functional, and spatial information, amino acid conservation, physicochemical variation, residue mobility, and thermodynamic stability) performed at Invitae indicates that this missense variant is expected to disrupt PACS1 protein function with a positive predictive value of 80%. In summary, the available evidence is currently insufficient to determine the role of this variant in disease. Therefore, it has been classified as a Variant of Uncertain Significance.